The following is an entry in ClinVar:

ClinVar aggregate classification (germline): Conflicting classifications of pathogenicity. Review status: criteria provided, conflicting classifications (1 of 4 stars). 7 submissions from 7 submitters: Uncertain significance (4); Likely benign (2). 1 of the submissions does not count toward it. Last evaluated 2025-12-15.

Conditions:
COL4A1-related disorder. Also called: COL4A1-related disorders; COL4A1-related condition. Identifiers: MedGen CN376119, MONDO:0800461.
HANAC-like syndrome.
Autosomal dominant familial hematuria-retinal arteriolar tortuosity-contractures syndrome. Also called: Hereditary Angiopathy with Nephropathy, Aneurysms, and Muscle Cramps (HANAC) Syndrome; Angiopathy, hereditary, with nephropathy, aneurysms, and muscle cramps. Identifiers: Orphanet 73229, MedGen C2673195, MONDO:0012726, OMIM 611773.
Hemorrhage, intracerebral, susceptibility to (ICH). Also called: Stroke, hemorrhagic, susceptibility to. Identifiers: MedGen C3281105, MONDO:0100533, OMIM 614519.
Retinal arterial tortuosity. Also called: RETINAL HEMORRHAGE WITH VASCULAR TORTUOSITY; Retinal arteries, tortuosity of. Identifiers: Orphanet 75326, MedGen C0423401, MONDO:0008373, OMIM 180000, HP:0000631.
Brain small vessel disease 1 with or without ocular anomalies (BSVD1). Also called: Brain small vessel disease with or without ocular anomalies; PORENCEPHALY, TYPE 1, AUTOSOMAL DOMINANT; BRAIN SMALL VESSEL DISEASE WITH HEMORRHAGE; GOULD SYNDROME 1. Identifiers: Orphanet 2940, Orphanet 36383, Orphanet 99810, MedGen C4755307, MONDO:0008289, OMIM 175780.
Microangiopathy and leukoencephalopathy, pontine, autosomal dominant. Also called: DEMENTIA, HEREDITARY MULTI-INFARCT, SWEDISH TYPE; Pontine autosomal dominant microangiopathy with leukoencephalopathy. Identifiers: Orphanet 477749, MedGen C5231411, MONDO:0032814, OMIM 618564.

Allele frequency attached by ClinVar (database versions not stated): gnomAD 0.00004 and 0.00005; TOPMed 0.00005; gnomAD exomes 0.00006 and 0.00008; ExAC 0.00009; ESP Exome Variant Server 0.00023.

Submissions (7):

Labcorp Genetics (formerly Invitae), Labcorp
Classification: Likely benign. Last evaluated: 2025-12-15. Review status: criteria provided, single submitter. Criteria: Invitae Variant Classification Sherloc (09022015). Collection method: clinical testing. Allele origin: germline.

PreventionGenetics, part of Exact Sciences
Classification: Uncertain significance for COL4A1-related condition. Last evaluated: 2025-12-04. Review status: criteria provided, single submitter. Criteria: ACMG Guidelines, 2015. Collection method: clinical testing. Allele origin: germline.
Comment: The COL4A1 c.2351C>T variant is predicted to result in the amino acid substitution p.Pro784Leu. This variant has been reported in an individual with hereditary angiopathy, nephropathy, aneurysms, and muscle cramps (HANAC) (Gulati et al. 2020. PubMed ID: 31922066). This variant is reported in 0.060% of alleles in individuals of Ashkenazi Jewish descent in gnomAD, which may be too common to be causative. Although we suspect this variant may be benign, at this time, the clinical significance of this variant is uncertain due to the absence of conclusive functional and genetic evidence.

CeGaT Center for Human Genetics Tuebingen
Classification: Likely benign. Last evaluated: 2025-08-01. Review status: criteria provided, single submitter. Criteria: CeGaT Center For Human Genetics Tuebingen Variant Classification Criteria Version 2. Collection method: clinical testing. Allele origin: germline. Affected: yes. Observed: 2 variant alleles.
Comment: COL4A1: BS2

GeneDx
Classification: Uncertain significance. Last evaluated: 2025-02-05. Review status: criteria provided, single submitter. Criteria: GeneDx Variant Classification Process June 2021. Collection method: clinical testing. Allele origin: germline. Affected: yes.
Comment: Reported in a patient with bilateral kidney cysts and kidney imaging consistent with HANAC-like syndrome (hereditary angiopathy, nephropathy, aneurysms, and muscle cramps) (PMID: 31922066); In silico analysis supports that this missense variant has a deleterious effect on protein structure/function; Occurs in the triple helical domain at the Y position in the canonical Gly-X-Y repeat; although this variant may have an effect on normal protein folding and function, missense substitution at the Y position is not a common mechanism of disease; This variant is associated with the following publications: (PMID: 31922066)

Fulgent Genetics
Classification: Uncertain significance for Brain small vessel disease 1 with or without ocular anomalies; Retinal arterial tortuosity; Autosomal dominant familial hematuria-retinal arteriolar tortuosity-contractures syndrome; Hemorrhage, intracerebral, susceptibility to; Microangiopathy and leukoencephalopathy, pontine, autosomal dominant. Last evaluated: 2024-02-12. Review status: criteria provided, single submitter. Criteria: ACMG Guidelines, 2015. Collection method: clinical testing. Allele origin: germline.

Revvity Omics, Revvity
Classification: Uncertain significance. Last evaluated: 2023-08-24. Review status: criteria provided, single submitter. Criteria: ACMG Guidelines, 2015. Collection method: clinical testing. Allele origin: germline.

Yale Center for Mendelian Genomics, Yale University
Classification: Likely pathogenic for HANAC-like syndrome. Last evaluated: 2019-09-11. Review status: no assertion criteria provided. Collection method: literature only. Allele origin: unknown. Affected: yes. Observed: 1 heterozygote. Study: Yale Center for Mendelian Genomics. Not counted in ClinVar's aggregate classification.

Literature cited by the submitters: PubMed 31922066 (cited by Yale Center for Mendelian Genomics, Yale University).

NM_001845.6(COL4A1):c.2351C>T (p.Pro784Leu)

Gene: COL4A1 (collagen type IV alpha 1 chain; minus strand). Cytogenetic location: 13q34.
Variant type: single nucleotide variant.
Coding change: c.2351C>T on transcript NM_001845.6 (MANE Select); coding-DNA position 2351, C replaced by T.
Protein change: p.Pro784Leu; replaces proline 784 with leucine.
Molecular consequence: missense variant.
Genome position (GRCh38, 1-based): chr13:110,179,030, G>A on the plus strand (C>T on the coding strand, the complement: COL4A1 is on the minus strand). VCF-style: chr13-110179030-G-A. GRCh37 (hg19) VCF-style: chr13-110831377-G-A.
Other names: c.2351C>T (NM_001845.5); short protein forms P784L.
Identifiers: ClinVar variation 1344703 (VCV001344703.24), dbSNP rs372750171, ClinGen allele CA7047612.